The following is an entry in ClinVar:

ClinVar aggregate classification (germline): Benign (1 of 4 stars; one submission).

Conditions:
Oligodontia-cancer predisposition syndrome. Also called: TOOTH AGENESIS-COLORECTAL CANCER SYNDROME. Identifiers: Orphanet 300576, MedGen C1837750, MONDO:0012075, OMIM 608615. Disease mechanism: loss of function.

Submission:

Myriad Genetics, Inc.
Classification: Benign for Oligodontia-cancer predisposition syndrome. Last evaluated: 2024-06-28. Review status: criteria provided, single submitter. Criteria: Myriad Autosomal Dominant, Autosomal Recessive and X-Linked Classification Criteria (2023). Collection method: clinical testing. Allele origin: unknown.
Comment: This variant is considered benign. This variant is a silent/synonymous amino acid change and it is not expected to impact splicing.

NM_004655.4(AXIN2):c.885C>G (p.Thr295=)

Gene: AXIN2 (axin 2; minus strand). Cytogenetic location: 17q24.1.
Variant type: single nucleotide variant.
Coding change: c.885C>G on transcript NM_004655.4 (MANE Select); coding-DNA position 885, C replaced by G.
Protein change: p.Thr295=; no amino-acid change (threonine 295 retained).
Molecular consequence: synonymous variant.
Genome position (GRCh38, 1-based): chr17:65,549,591, G>C on the plus strand (C>G on the coding strand, the complement: AXIN2 is on the minus strand). VCF-style: chr17-65549591-G-C. GRCh37 (hg19) VCF-style: chr17-63545709-G-C.
Other names: c.885C>G, p.Thr295= (NM_001363813.1).
Identifiers: ClinVar variation 3254256 (VCV003254256.1), dbSNP rs2144538903.